The following is an entry in ClinVar:

NM_206937.2(LIG4):c.220C>T (p.Gln74Ter)

Gene: LIG4 (DNA ligase 4; minus strand). Cytogenetic location: 13q33.3.
Variant type: single nucleotide variant.
Coding change: c.220C>T on transcript NM_206937.2 (MANE Select); coding-DNA position 220, C replaced by T.
Protein change: p.Gln74Ter; replaces glutamine 74 with a stop codon.
Molecular consequence: nonsense.
Genome position (GRCh38, 1-based): chr13:108,211,049, G>A on the plus strand (C>T on the coding strand, the complement: LIG4 is on the minus strand). VCF-style: chr13-108211049-G-A. GRCh37 (hg19) VCF-style: chr13-108863397-G-A.
Other names: c.220C>T, p.Gln74Ter (NM_001098268.2, NM_001352598.2, NM_001352599.2 and 6 more transcripts); c.19C>T, p.Gln7Ter (NM_001330595.2); c.256C>T, p.Gln86Ter (NM_001352604.2); short protein forms Q7*, Q74*, Q86*.
Identifiers: ClinVar variation 2504115 (VCV002504115.5), dbSNP rs1566367610, ClinGen allele CA388623981.

ClinVar aggregate classification (germline): Pathogenic/Likely pathogenic. Review status: criteria provided, multiple submitters, no conflicts (2 of 4 stars). 2 submissions from 2 submitters: Pathogenic (1); Likely pathogenic (1). Last evaluated 2023-08-05.

Conditions:
DNA ligase IV deficiency. Identifiers: Orphanet 99812, MedGen C1847827, MONDO:0011686, OMIM 606593.

Allele frequency attached by ClinVar (database versions not stated): gnomAD exomes below 0.00001.
gnomAD v4.1: 2 of 1,601,680 alleles (0.00012%); highest among the groups gnomAD compares: Non-Finnish European, 0.00017%; no homozygotes.

Submissions (2):

Labcorp Genetics (formerly Invitae), Labcorp
Classification: Pathogenic for DNA ligase IV deficiency. Last evaluated: 2023-08-05. Review status: criteria provided, single submitter. Criteria: Invitae Variant Classification Sherloc (09022015). Collection method: clinical testing. Allele origin: germline.
Comment: This variant disrupts a region of the LIG4 protein in which other variant(s) (p.Gln904*) have been determined to be pathogenic (PMID: 34630384). This suggests that this is a clinically significant region of the protein, and that variants that disrupt it are likely to be disease-causing. This sequence change creates a premature translational stop signal (p.Gln74*) in the LIG4 gene. While this is not anticipated to result in nonsense mediated decay, it is expected to disrupt the last 838 amino acid(s) of the LIG4 protein. This variant is not present in population databases (gnomAD no frequency). This variant has not been reported in the literature in individuals affected with LIG4-related conditions. ClinVar contains an entry for this variant (Variation ID: 2504115). For these reasons, this variant has been classified as Pathogenic.

Human Genome Lab, NIMHANS, National Institute of Mental Health and Neuro Sciences
Classification: Likely pathogenic for DNA ligase IV deficiency. Review status: criteria provided, single submitter. Criteria: ACMG Guidelines, 2015. Collection method: clinical testing. Allele origin: germline. Inheritance: Autosomal recessive inheritance. Affected: yes. Observed: 1 homozygote.
Comment: The stop gained NM_002312.3(LIG4):c.220C>T (p.Gln74Ter) has not been reported previously as a pathogenic variant nor as a benign variant, to our knowledge. The p.Gln74Ter variant is novel (not in any individuals) in 1kG All. The p.Gln74Ter variant is novel (not in any individuals) in gnomAD as well as in our inhouse database. This variant is predicted to cause loss of normal protein function through protein truncation. There are 27 downstream pathogenic loss of function variants, with the furthest variant being 740 residues downstream of this variant. This indicates that the region is critical to protein function. The p.Gln74Ter variant is a loss of function variant in the gene LIG4, which is intolerant of Loss of Function variants, as indicated by the presence of existing pathogenic loss of function variant NP_002303.2:p.R25* and 20 others. In addition, the clinical phenotype of the proband matches with that of the disorder caused by pathogenic variants in the LIG4 gene. For these reasons, this variant has been classified as Likely Pathogenic.

Literature cited by the submitters: PubMed 34630384 (cited by Labcorp Genetics (formerly Invitae), Labcorp).